The following is an entry in ClinVar:

NM_153252.5(BRWD3):c.2740A>G (p.Ile914Val)

Gene: BRWD3 (bromodomain and WD repeat domain containing 3; minus strand). Cytogenetic location: Xq21.1.
Variant type: single nucleotide variant.
Coding change: c.2740A>G on transcript NM_153252.5 (MANE Select); coding-DNA position 2740, A replaced by G.
Protein change: p.Ile914Val; replaces isoleucine 914 with valine.
Molecular consequence: missense variant.
Genome position (GRCh38, 1-based): chrX:80,703,575, T>C on the plus strand (A>G on the coding strand, the complement: BRWD3 is on the minus strand). VCF-style: chrX-80703575-T-C. GRCh37 (hg19) VCF-style: chrX-79959074-T-C.
Other names: c.2740A>G (NM_153252.4); short protein forms I914V.
Identifiers: ClinVar variation 2888202 (VCV002888202.4), dbSNP rs146413988, ClinGen allele CA10461955.
Genomic context (GRCh38, chrX:80,703,575, plus strand): 5'-GGGGTATAGTATCCAAGATCCACTGAGGGGCAAACCATTCTTCATTAGGCTCACCTGCTA[T>C]AGAAACCAGTCCTCCTTTCTAAAACATAAATACACGAAAAGTATATGTATAAAACACAGT-3'
Protein context (NP_694984.5, residues 904-924): TRKKKGGLVS[Ile914Val]AGEPNEEWFA

ClinVar aggregate classification (germline): Conflicting classifications of pathogenicity. Review status: criteria provided, conflicting classifications (1 of 4 stars). 2 submissions from 2 submitters: Uncertain significance (1); Likely benign (1). Last evaluated 2025-11-05.

Conditions:
Inborn genetic diseases. Identifiers: MedGen C0950123, MeSH D030342.

Allele frequency attached by ClinVar (database versions not stated): gnomAD exomes 0.00001; TOPMed 0.00002; gnomAD 0.00003; ExAC 0.00007; ESP Exome Variant Server 0.00009.
gnomAD v4.1: 6 of 1,198,360 alleles (0.0005%); highest among the groups gnomAD compares: Admixed American, 0.0066%; no homozygotes.

Submissions (2):

Ambry Genetics
Classification: Likely benign for Inborn genetic diseases. Last evaluated: 2025-11-05. Review status: criteria provided, single submitter. Criteria: Ambry Variant Classification Scheme 2023. Collection method: clinical testing. Allele origin: germline.

Labcorp Genetics (formerly Invitae), Labcorp
Classification: Uncertain significance. Last evaluated: 2023-01-14. Review status: criteria provided, single submitter. Criteria: Invitae Variant Classification Sherloc (09022015). Collection method: clinical testing. Allele origin: germline.
Comment: Advanced modeling of protein sequence and biophysical properties (such as structural, functional, and spatial information, amino acid conservation, physicochemical variation, residue mobility, and thermodynamic stability) performed at Invitae indicates that this missense variant is not expected to disrupt BRWD3 protein function. This variant has not been reported in the literature in individuals affected with BRWD3-related conditions. This variant is present in population databases (rs146413988, gnomAD 0.03%), including at least one homozygous and/or hemizygous individual. In summary, the available evidence is currently insufficient to determine the role of this variant in disease. Therefore, it has been classified as a Variant of Uncertain Significance. This sequence change replaces isoleucine, which is neutral and non-polar, with valine, which is neutral and non-polar, at codon 914 of the BRWD3 protein (p.Ile914Val).